The following is an entry in ClinVar:

ClinVar aggregate classification (germline): Uncertain significance (1 of 4 stars; one submission).

Conditions:
Alopecia-intellectual disability syndrome 4. Also called: ALOPECIA-MENTAL RETARDATION SYNDROME 4. Identifiers: MedGen C5394241, MONDO:0030009, OMIM 618840.

gnomAD v4.1: 2 of 1,608,956 alleles (0.00012%); highest among the groups gnomAD compares: East Asian, 0.0022%; no homozygotes.

Submission:

3billion
Classification: Uncertain significance for Alopecia-intellectual disability syndrome 4. Last evaluated: 2024-09-26. Review status: criteria provided, single submitter. Criteria: ACMG Guidelines, 2015. Collection method: clinical testing. Allele origin: germline. Affected: yes.
Comment: The variant is observed at an extremely low frequency in the gnomAD v4.0.0 dataset (total allele frequency: <0.001%). Predicted Consequence/Location: Missense variant Damaging effect on gene or gene product predicted by in silico programs is uncertain [REVEL: 0.52 (damaging >=0.6, benign <0.4), 3Cnet: 0.29 (damaging >=0.6, benign <0.15)]. Therefore, this variant is classified as VUS according to the recommendation of ACMG/AMP guideline.

NM_002340.6(LSS):c.673C>T (p.His225Tyr)

Gene: LSS (lanosterol synthase; minus strand). Cytogenetic location: 21q22.3.
Variant type: single nucleotide variant.
Coding change: c.673C>T on transcript NM_002340.6 (MANE Select); coding-DNA position 673, C replaced by T.
Protein change: p.His225Tyr; replaces histidine 225 with tyrosine.
Molecular consequence: missense variant.
Genome position (GRCh38, 1-based): chr21:46,216,499, G>A on the plus strand (C>T on the coding strand, the complement: LSS is on the minus strand). VCF-style: chr21-46216499-G-A. GRCh37 (hg19) VCF-style: chr21-47636413-G-A.
Other names: c.673C>T, p.His225Tyr (NM_001001438.3); c.640C>T, p.His214Tyr (NM_001145436.2); c.433C>T, p.His145Tyr (NM_001145437.2); short protein forms H145Y, H214Y, H225Y.
Identifiers: ClinVar variation 4072298 (VCV004072298.1).